The following is an entry in ClinVar:

ClinVar aggregate classification (germline): Conflicting classifications of pathogenicity. Review status: criteria provided, conflicting classifications (1 of 4 stars). 9 submissions from 9 submitters: Uncertain significance (2); Benign (1); Likely benign (5). 1 of the submissions does not count toward it. Last evaluated 2026-04-01.

Conditions:
ZNF469-related disorder. Also called: ZNF469-related condition.
Cardiovascular phenotype. Identifiers: MedGen CN230736.
Ehlers-Danlos syndrome (EDS). Identifiers: Orphanet 98249, MedGen C0013720, MONDO:0020066.

Allele frequency attached by ClinVar (database versions not stated): ExAC 0.00012; TOPMed 0.00046; gnomAD 0.00063 and 0.00068; gnomAD exomes 0.00063 and 0.00086.
gnomAD v4.1: 1,284 of 1,550,178 alleles (0.083%); highest among the groups gnomAD compares: Non-Finnish European, 0.086%; 1 homozygote.

Submissions (9):

CeGaT Center for Human Genetics Tuebingen
Classification: Likely benign. Last evaluated: 2026-04-01. Review status: criteria provided, single submitter. Criteria: CeGaT Center For Human Genetics Tuebingen Variant Classification Criteria Version 2. Collection method: clinical testing. Allele origin: germline. Affected: yes. Observed: 3 variant alleles.
Comment: ZNF469: BP4

Labcorp Genetics (formerly Invitae), Labcorp
Classification: Likely benign. Last evaluated: 2026-01-31. Review status: criteria provided, single submitter. Criteria: Invitae Variant Classification Sherloc (09022015). Collection method: clinical testing. Allele origin: germline.

Women's Health and Genetics/Laboratory Corporation of America, LabCorp
Classification: Likely benign. Last evaluated: 2026-01-26. Review status: criteria provided, single submitter. Criteria: LabCorp Variant Classification Summary - May 2015. Collection method: clinical testing. Allele origin: germline.
Comment: Variant summary: ZNF469 c.3950A>G (p.Lys1317Arg) results in a conservative amino acid change in the encoded protein sequence. Algorithms developed to predict the effect of missense changes on protein structure and function all suggest that this variant is likely to be tolerated. The variant allele was found at a frequency of 0.00083 in 1543252 control chromosomes, predominantly at a frequency of 0.004 within the Finnish subpopulation in the gnomAD database, including 1 homozygote. The observed variant frequency within Finnish control individuals in the gnomAD database exceeds the estimated maximal expected allele frequency for disease-causing variants in ZNF469. To our knowledge, no occurrence of c.3950A>G in individuals affected with ZNF469-related conditions and no experimental evidence demonstrating its impact on protein function have been reported. ClinVar contains an entry for this variant (Variation ID: 320915). Based on the evidence outlined above, the variant was classified as likely benign.

GeneDx
Classification: Uncertain significance. Last evaluated: 2025-04-02. Review status: criteria provided, single submitter. Criteria: GeneDx Variant Classification Process June 2021. Collection method: clinical testing. Allele origin: germline. Affected: yes.
Comment: In silico analysis supports that this missense variant does not alter protein structure/function; Has not been previously published as pathogenic or benign to our knowledge

Mayo Clinic Laboratories, Mayo Clinic
Classification: Benign. Last evaluated: 2025-01-02. Review status: criteria provided, single submitter. Criteria: ACMG Guidelines, 2015. Collection method: clinical testing. Allele origin: germline. Observed: 4 variant alleles.
Comment: BS1, BP4_strong

Blueprint Genetics
Classification: Likely benign. Last evaluated: 2024-10-25. Review status: criteria provided, single submitter. Criteria: ACMG Guidelines, 2015. Collection method: clinical testing. Allele origin: germline.

Ambry Genetics
Classification: Likely benign for Cardiovascular phenotype. Last evaluated: 2022-12-08. Review status: criteria provided, single submitter. Criteria: Ambry Variant Classification Scheme 2023. Collection method: clinical testing. Allele origin: germline.

Genome Diagnostics Laboratory, The Hospital for Sick Children
Classification: Uncertain significance for Ehlers-Danlos syndrome. Last evaluated: 2019-08-01. Review status: criteria provided, single submitter. Criteria: ACMG Guidelines, 2015. Collection method: clinical testing. Allele origin: germline.

PreventionGenetics, part of Exact Sciences
Classification: Likely benign for ZNF469-related condition. Last evaluated: 2022-02-02. Review status: no assertion criteria provided. Collection method: clinical testing. Allele origin: germline. Not counted in ClinVar's aggregate classification.
Comment: This variant is classified as likely benign based on ACMG/AMP sequence variant interpretation guidelines (Richards et al. 2015 PMID: 25741868, with internal and published modifications).

NM_001367624.2(ZNF469):c.3950A>G (p.Lys1317Arg)

Gene: ZNF469 (zinc finger protein 469; plus strand). Cytogenetic location: 16q24.2.
Variant type: single nucleotide variant.
Coding change: c.3950A>G on transcript NM_001367624.2 (MANE Select); coding-DNA position 3950, A replaced by G.
Protein change: p.Lys1317Arg; replaces lysine 1317 with arginine.
Molecular consequence: missense variant.
Genome position (GRCh38, 1-based): chr16:88,431,420, A>G. VCF-style: chr16-88431420-A-G. GRCh37 (hg19) VCF-style: chr16-88497828-A-G.
Other names: NM_001127464.1:c.3866A>G; NM_001127464.2:c.3866A>G; p.Lys1317Arg; short protein forms K1317R.
Identifiers: ClinVar variation 320915 (VCV000320915.65), dbSNP rs772817384, ClinGen allele CA8224904.